The following is an entry in ClinVar:

NM_000085.5(CLCNKB):c.385A>G (p.Met129Val)

Genes: CLCNKB (chloride voltage-gated channel Kb; plus strand), LOC106501713 (CLCNKB recombination region; plus strand). Cytogenetic location: 1p36.13.
Variant type: single nucleotide variant.
Coding change: c.385A>G on transcript NM_000085.5 (MANE Select); coding-DNA position 385, A replaced by G.
Protein change: p.Met129Val; replaces methionine 129 with valine.
Molecular consequence: missense variant.
Genome position (GRCh38, 1-based): chr1:16,047,931, A>G. VCF-style: chr1-16047931-A-G. GRCh37 (hg19) VCF-style: chr1-16374426-A-G.
Other names: c.385A>G (NM_000085.3); short protein forms M129V.
Identifiers: ClinVar variation 1430546 (VCV001430546.8), dbSNP rs1290894313, ClinGen allele CA338633181.

ClinVar aggregate classification (germline): Uncertain significance. Review status: criteria provided, multiple submitters, no conflicts (2 of 4 stars). 2 submissions from 2 submitters: Uncertain significance (2). Last evaluated 2022-11-19.

Conditions:
Inborn genetic diseases. Identifiers: MedGen C0950123, MeSH D030342.

Allele frequency attached by ClinVar (database versions not stated): gnomAD exomes 0.00001; TOPMed 0.00003; gnomAD 0.00005 and 0.00006.

Submissions (2):

Ambry Genetics
Classification: Uncertain significance for Inborn genetic diseases. Last evaluated: 2022-11-19. Review status: criteria provided, single submitter. Criteria: Ambry Variant Classification Scheme 2023. Collection method: clinical testing. Allele origin: germline.

Labcorp Genetics (formerly Invitae), Labcorp
Classification: Uncertain significance. Last evaluated: 2021-07-17. Review status: criteria provided, single submitter. Criteria: Invitae Variant Classification Sherloc (09022015). Collection method: clinical testing. Allele origin: germline.
Comment: In summary, the available evidence is currently insufficient to determine the role of this variant in disease. Therefore, it has been classified as a Variant of Uncertain Significance. Advanced modeling of protein sequence and biophysical properties (such as structural, functional, and spatial information, amino acid conservation, physicochemical variation, residue mobility, and thermodynamic stability) performed at Invitae indicates that this missense variant is not expected to disrupt CLCNKB protein function. This variant has not been reported in the literature in individuals affected with CLCNKB-related conditions. This variant is not present in population databases (ExAC no frequency). This sequence change replaces methionine with valine at codon 129 of the CLCNKB protein (p.Met129Val). The methionine residue is weakly conserved and there is a small physicochemical difference between methionine and valine.